The following is an entry in ClinVar:

NM_003482.4(KMT2D):c.14250A>T (p.Pro4750=)

Gene: KMT2D (lysine methyltransferase 2D; minus strand). Cytogenetic location: 12q13.12.
Variant type: single nucleotide variant.
Coding change: c.14250A>T on transcript NM_003482.4 (MANE Select); coding-DNA position 14250, A replaced by T.
Protein change: p.Pro4750=; no amino-acid change (proline 4750 retained).
Molecular consequence: synonymous variant.
Genome position (GRCh38, 1-based): chr12:49,029,062, T>A on the plus strand (A>T on the coding strand, the complement: KMT2D is on the minus strand). VCF-style: chr12-49029062-T-A. GRCh37 (hg19) VCF-style: chr12-49422845-T-A.
Identifiers: ClinVar variation 1190735 (VCV001190735.22), dbSNP rs766829760, ClinGen allele CA6545801.

ClinVar aggregate classification (germline): Conflicting classifications of pathogenicity. Review status: criteria provided, conflicting classifications (1 of 4 stars). 4 submissions from 4 submitters: Uncertain significance (1); Likely benign (2). 1 of the submissions does not count toward it. Last evaluated 2026-08-01.

Conditions:
Kabuki syndrome. Also called: NIIKAWA-KUROKI SYNDROME; Kabuki make-up syndrome. Identifiers: Orphanet 2322, MedGen C0796004, MONDO:0016512.
KMT2D-related disorder. Also called: KMT2D-Related Disorders.

Allele frequency attached by ClinVar (database versions not stated): gnomAD 0.00001; ExAC 0.00003; gnomAD exomes 0.00003.
gnomAD v4.1: 13 of 1,602,062 alleles (0.00081%); highest among the groups gnomAD compares: Admixed American, 0.0067%; no homozygotes.

Submissions (4):

CeGaT Center for Human Genetics Tuebingen
Classification: Likely benign. Last evaluated: 2026-08-01. Review status: criteria provided, single submitter. Criteria: CeGaT Center For Human Genetics Tuebingen Variant Classification Criteria Version 2. Collection method: clinical testing. Allele origin: germline. Affected: yes. Observed: 2 variant alleles.
Comment: KMT2D: BP4, BP7

Labcorp Genetics (formerly Invitae), Labcorp
Classification: Uncertain significance for Kabuki syndrome. Last evaluated: 2026-01-26. Review status: criteria provided, single submitter. Criteria: Invitae Variant Classification Sherloc (09022015). Collection method: clinical testing. Allele origin: germline.
Comment: This sequence change affects codon 4750 of the KMT2D mRNA. It is a 'silent' change, meaning that it does not change the encoded amino acid sequence of the KMT2D protein. It affects a nucleotide within the consensus splice site. This variant is present in population databases (rs766829760, gnomAD 0.009%). This variant has not been reported in the literature in individuals affected with KMT2D-related conditions. ClinVar contains an entry for this variant (Variation ID: 1190735). Algorithms developed to predict the effect of sequence changes on RNA splicing suggest that this variant is not likely to affect RNA splicing. In summary, the available evidence is currently insufficient to determine the role of this variant in disease. Therefore, it has been classified as a Variant of Uncertain Significance.

GeneDx
Classification: Likely benign. Last evaluated: 2020-12-14. Review status: criteria provided, single submitter. Criteria: GeneDx Variant Classification Process June 2021. Collection method: clinical testing. Allele origin: germline. Affected: yes.

PreventionGenetics, part of Exact Sciences
Classification: Likely benign for KMT2D-related condition. Last evaluated: 2021-10-11. Review status: no assertion criteria provided. Collection method: clinical testing. Allele origin: germline. Not counted in ClinVar's aggregate classification.
Comment: This variant is classified as likely benign based on ACMG/AMP sequence variant interpretation guidelines (Richards et al. 2015 PMID: 25741868, with internal and published modifications).